The following is an entry in ClinVar:

NM_000038.6(APC):c.1353T>G (p.Cys451Trp)

Gene: APC (APC regulator of Wnt signaling pathway; plus strand). Cytogenetic location: 5q22.2.
Variant type: single nucleotide variant.
Coding change: c.1353T>G on transcript NM_000038.6 (MANE Select); coding-DNA position 1353, T replaced by G.
Protein change: p.Cys451Trp; replaces cysteine 451 with tryptophan.
Molecular consequence: missense variant. On other transcripts: non-coding transcript variant (2).
Genome position (GRCh38, 1-based): chr5:112,821,936, T>G. VCF-style: chr5-112821936-T-G. GRCh37 (hg19) VCF-style: chr5-112157633-T-G.
Other names: c.1176T>G, p.Cys392Trp (NM_001354900.2, NM_001354901.2, NM_001407453.1); c.1080T>G, p.Cys360Trp (NM_001354902.2); c.1050T>G, p.Cys350Trp (NM_001354903.2, NM_001407454.1, NM_001407455.1 and 5 more transcripts); c.975T>G, p.Cys325Trp (NM_001354904.2); c.873T>G, p.Cys291Trp (NM_001354905.2); c.504T>G, p.Cys168Trp (NM_001354906.2, NM_001407470.1); c.1383T>G, p.Cys461Trp (NM_001407446.1, NM_001354897.2); c.1353T>G, p.Cys451Trp (NM_001407447.1, NM_001407448.1, NM_001127510.3 and 4 more transcripts); and 5 more; short protein forms C350W, C360W, C423W, C433W, C451W, C291W, C322W, C426W.
Identifiers: ClinVar variation 5025305 (VCV005025305.1).
Genomic context (GRCh38, chr5:112,821,936, plus strand): 5'-ATGTTGATTTTATTTTTCAGTGCCAGCTCCTGTTGAACATCAGATCTGTCCTGCTGTGTG[T>G]GTTCTAATGAAACTTTCATTTGATGAAGAGCATAGACATGCAATGAATGAACTAGGTAAG-3'
Protein context (NP_000029.2, residues 441-461): PVEHQICPAV[Cys451Trp]VLMKLSFDEE

ClinVar aggregate classification (germline): Uncertain significance (1 of 4 stars; one submission).

Conditions:
Hereditary cancer-predisposing syndrome. Also called: Neoplastic Syndromes, Hereditary; Tumor predisposition; Hereditary neoplastic syndrome; Hereditary Cancer Syndrome. Identifiers: Orphanet 140162, MedGen C0027672, MeSH D009386, MONDO:0015356.

gnomAD v4.1: 5 of 1,613,422 alleles (0.00031%); no homozygotes.

Submission:

Ambry Genetics
Classification: Uncertain significance for Hereditary cancer-predisposing syndrome. Last evaluated: 2026-07-07. Review status: criteria provided, single submitter. Criteria: Ambry Variant Classification Scheme 2023. Collection method: clinical testing. Allele origin: germline.
Comment: The p.C451W variant (also known as c.1353T>G), located in coding exon 10 of the APC gene, results from a T to G substitution at nucleotide position 1353. The cysteine at codon 451 is replaced by tryptophan, an amino acid with highly dissimilar properties. This amino acid position is conserved. In addition, in silico predictors for this gene do not accurately predict pathogenicity. Based on the available evidence, the clinical significance of this variant remains unclear.